The following is an entry in ClinVar:

NM_014208.3(DSPP):c.1231A>G (p.Lys411Glu)

Genes: DMP1-AS1 (DMP1 and DSPP antisense RNA 1; minus strand), DSPP (dentin sialophosphoprotein; plus strand). Cytogenetic location: 4q22.1.
Variant type: single nucleotide variant.
Coding change: c.1231A>G on transcript NM_014208.3 (MANE Select); coding-DNA position 1231, A replaced by G.
Protein change: p.Lys411Glu; replaces lysine 411 with glutamic acid.
Molecular consequence: missense variant.
Genome position (GRCh38, 1-based): chr4:87,613,893, A>G. VCF-style: chr4-87613893-A-G. GRCh37 (hg19) VCF-style: chr4-88535045-A-G.
Other names: short protein forms K411E.
Identifiers: ClinVar variation 3355482 (VCV003355482.1).
Genomic context (GRCh38, chr4:87,613,893, plus strand): 5'-GAAGTTGGGAAAGGCAACGAAGGTAAAGAGGATAAAGGACAACATGGAATGATCTTGGGC[A>G]AAGGCAATGTCAAGACACAAGGAGAGGTTGTCAACATAGAAGGACCTGGCCAAAAATCAG-3'
Protein context (NP_055023.2, residues 401-421): DKGQHGMILG[Lys411Glu]GNVKTQGEVV

ClinVar aggregate classification (germline): Uncertain significance (0 of 4 stars; one submission).

Conditions:
DSPP-related disorder. Also called: DSPP-related condition.

gnomAD v4.1: 1 of 1,614,248 alleles (0.000062%); highest among the groups gnomAD compares: Non-Finnish European, 0.000085%; no homozygotes.

Submission:

PreventionGenetics, part of Exact Sciences
Classification: Uncertain significance for DSPP-related condition. Last evaluated: 2024-09-23. Review status: no assertion criteria provided. Collection method: clinical testing. Allele origin: germline.
Comment: The DSPP c.1231A>G variant is predicted to result in the amino acid substitution p.Lys411Glu. To our knowledge, this variant has not been reported in the literature or in a large population database, indicating this variant is rare. At this time, the clinical significance of this variant is uncertain due to the absence of conclusive functional and genetic evidence.